The following is an entry in ClinVar:

ClinVar aggregate classification (germline): Conflicting classifications of pathogenicity. Review status: criteria provided, conflicting classifications (1 of 4 stars). 5 submissions from 5 submitters: Uncertain significance (3); Likely benign (2). Last evaluated 2026-07-01.

Conditions:
Inborn genetic diseases. Identifiers: MedGen C0950123, MeSH D030342.
Autosomal dominant polycystic kidney disease. Identifiers: Orphanet 730, MedGen C0085413, MONDO:0004691.
Polycystic kidney disease 2 (PKD2). Also called: Polycystic Kidney Disease 2, Autosomal Dominant; POLYCYSTIC KIDNEY DISEASE, ADULT, TYPE II; POLYCYSTIC KIDNEY DISEASE 2 WITH OR WITHOUT POLYCYSTIC LIVER DISEASE. Identifiers: MedGen C2751306, MONDO:0013131, OMIM 613095.

Allele frequency attached by ClinVar (database versions not stated): gnomAD exomes 0.00006 and 0.00020; ExAC 0.00026; ESP Exome Variant Server 0.00077; gnomAD 0.00082 and 0.00086; TOPMed 0.00085; 1000 Genomes Project 30x 0.00156; 1000 Genomes Project 0.00180.

Submissions (5):

CeGaT Center for Human Genetics Tuebingen
Classification: Likely benign. Last evaluated: 2026-07-01. Review status: criteria provided, single submitter. Criteria: CeGaT Center For Human Genetics Tuebingen Variant Classification Criteria Version 2. Collection method: clinical testing. Allele origin: germline. Affected: yes. Observed: 1 variant allele.
Comment: PKD2: BS1

Labcorp Genetics (formerly Invitae), Labcorp
Classification: Likely benign for Autosomal dominant polycystic kidney disease. Last evaluated: 2026-01-20. Review status: criteria provided, single submitter. Criteria: Invitae Variant Classification Sherloc (09022015). Collection method: clinical testing. Allele origin: germline.

Ambry Genetics
Classification: Uncertain significance for Inborn genetic diseases. Last evaluated: 2021-10-26. Review status: criteria provided, single submitter. Criteria: Ambry Variant Classification Scheme 2023. Collection method: clinical testing. Allele origin: germline.

ARUP Laboratories, Molecular Genetics and Genomics, ARUP Laboratories
Classification: Uncertain significance for Polycystic kidney disease 2. Last evaluated: 2019-06-27. Review status: criteria provided, single submitter. Criteria: ARUP Molecular Germline Variant Investigation Process. Collection method: clinical testing. Allele origin: germline.
Comment: The PKD2 c.2720G>A; p.Arg907Gln variant (rs150947109), to our knowledge, is not reported in the medical literature or gene-specific databases. The variant is listed in the ClinVar database (Variation ID: 350030) and is reported in the African population with an allele frequency of 0.3% (67/24964) in the Genome Aggregation Database. The arginine at this position is highly conserved but computational analyses (SIFT, PolyPhen-2) predict that this variant is tolerated. Due to limited information, the clinical significance of this variant is uncertain at this time.

Illumina Laboratory Services, Illumina
Classification: Uncertain significance for Polycystic kidney disease 2. Last evaluated: 2018-01-13. Review status: criteria provided, single submitter. Criteria: ICSL Variant Classification Criteria 13 December 2019. Collection method: clinical testing. Allele origin: germline.

NM_000297.4(PKD2):c.2720G>A (p.Arg907Gln)

Gene: PKD2 (polycystin 2, transient receptor potential cation channel; plus strand). Cytogenetic location: 4q22.1.
Variant type: single nucleotide variant.
Coding change: c.2720G>A on transcript NM_000297.4 (MANE Select); coding-DNA position 2720, G replaced by A.
Protein change: p.Arg907Gln; replaces arginine 907 with glutamine.
Molecular consequence: missense variant. On other transcripts: non-coding transcript variant (1).
Genome position (GRCh38, 1-based): chr4:88,075,507, G>A. VCF-style: chr4-88075507-G-A. GRCh37 (hg19) VCF-style: chr4-88996659-G-A.
Other names: short protein forms R907Q.
Identifiers: ClinVar variation 350030 (VCV000350030.23), dbSNP rs150947109, ClinGen allele CA3004345.